The following is an entry in ClinVar:

NM_012434.5(SLC17A5):c.614-1G>A

Gene: SLC17A5 (solute carrier family 17 member 5; minus strand). Cytogenetic location: 6q13.
Variant type: single nucleotide variant.
Coding change: c.614-1G>A on transcript NM_012434.5 (MANE Select); the canonical splice acceptor site of the intron before coding-DNA position 614, G replaced by A.
Molecular consequence: splice acceptor variant. On other transcripts: intron variant (3).
Genome position (GRCh38, 1-based): chr6:73,636,708, C>T on the plus strand (G>A on the coding strand, the complement: SLC17A5 is on the minus strand). VCF-style: chr6-73636708-C-T. GRCh37 (hg19) VCF-style: chr6-74346431-C-T.
Other names: c.383-1208G>A (NM_001382636.1); c.383-1G>A (NM_001382629.1); c.614-1208G>A (NM_001382632.1); c.614-4G>A (NM_001382635.1); c.614-1G>A (NM_001382634.1, NM_001382630.1, NM_001382633.1); c.635-1G>A (NM_001382631.1).
Identifiers: ClinVar variation 552156 (VCV000552156.3), dbSNP rs1554163958, ClinGen allele CA364716687.

ClinVar aggregate classification (germline): Likely pathogenic. Review status: criteria provided, single submitter (1 of 4 stars). 2 submissions from 2 submitters: Likely pathogenic (1). 1 of the submissions does not count toward it. Last evaluated 2025-11-28.

Conditions:
Salla disease (SD). Also called: Sialuria, Finnish type; N-acetylneuraminic acid (NANA) storage disease (NSD); Infantile sialic acid storage disorder (ISSD); Less Severe FSASD (Salla Disease). Identifiers: Orphanet 309334, Orphanet 834, MedGen C1096903, MONDO:0011449, OMIM 604369.

Submissions (2):

Labcorp Genetics (formerly Invitae), Labcorp
Classification: Likely pathogenic for Salla disease. Last evaluated: 2025-11-28. Review status: criteria provided, single submitter. Criteria: Invitae Variant Classification Sherloc (09022015). Collection method: clinical testing. Allele origin: germline.
Comment: This sequence change affects an acceptor splice site in intron 4 of the SLC17A5 gene. It is expected to disrupt RNA splicing. Variants that disrupt the donor or acceptor splice site typically lead to a loss of protein function (PMID: 16199547), and loss-of-function variants in SLC17A5 are known to be pathogenic (PMID: 10581036, 10947946, 15172001). This variant is not present in population databases (gnomAD no frequency). This variant has not been reported in the literature in individuals affected with SLC17A5-related conditions. ClinVar contains an entry for this variant (Variation ID: 552156). Algorithms developed to predict the effect of sequence changes on RNA splicing suggest that this variant may disrupt the consensus splice site. In summary, the currently available evidence indicates that the variant is pathogenic, but additional data are needed to prove that conclusively. Therefore, this variant has been classified as Likely Pathogenic.

Counsyl
Classification: Likely pathogenic for Salla disease. Last evaluated: 2017-05-24. Review status: no assertion criteria provided. Collection method: clinical testing. Allele origin: unknown. Not counted in ClinVar's aggregate classification.

Literature cited by the submitters: PubMed 16199547 (cited by Labcorp Genetics (formerly Invitae), Labcorp); PubMed 10581036 (cited by Labcorp Genetics (formerly Invitae), Labcorp); PubMed 10947946 (cited by Labcorp Genetics (formerly Invitae), Labcorp); PubMed 15172001 (cited by Labcorp Genetics (formerly Invitae), Labcorp).